The following is an entry in ClinVar:

NC_012920.1(MT-CYB):m.15664C>A

Gene: MT-CYB (mitochondrially encoded cytochrome b; plus strand).
Variant type: single nucleotide variant.
Genome position: chrM-15664-C-A.
Identifiers: ClinVar variation 693929 (VCV000693929.1), dbSNP rs1603225414, ClinGen allele CA913174496.

ClinVar aggregate classification (germline): Likely benign (1 of 4 stars; one submission).

Conditions:
Leigh syndrome (NULS). Also called: Leigh's necrotizing encephalopathy; Leigh's disease; Leigh's syndrome; LEIGH SYNDROME, NUCLEAR; Leigh Syndrome (mtDNA deletion); Leigh Disease. Identifiers: Orphanet 506, MedGen C2931891, MONDO:0009723, OMIM 256000.

Submission:

Wong Mito Lab, Molecular and Human Genetics, Baylor College of Medicine
Classification: Likely benign for Leigh syndrome. Last evaluated: 2019-10-17. Review status: criteria provided, single submitter. Criteria: Modified ACMG Guidelines (Unpublished). Collection method: clinical testing. Allele origin: germline.
Comment: The NC_012920.1:m.15664C>A (YP_003024038.1:p.Ile306Met) variant in MTCYB gene is interpretated to be a Likely Benign variant based on the modified ACMG guidelines (unpublished). This variant meets the following evidence codes: BP4, BP5